The following is an entry in ClinVar:

ClinVar aggregate classification (germline): Uncertain significance. Review status: criteria provided, multiple submitters, no conflicts (2 of 4 stars). 6 submissions from 6 submitters: Uncertain significance (6). Last evaluated 2023-04-26.

Conditions:
WFS1-related disorder. Identifiers: MedGen CN379391, MONDO:0700293.
Autosomal dominant nonsyndromic hearing loss 6 (LFSNHL). Also called: Autosomal dominant nonsyndromic deafness 6; DEAFNESS, AUTOSOMAL DOMINANT 6; DEAFNESS, AUTOSOMAL DOMINANT 14; DEAFNESS, AUTOSOMAL DOMINANT 38. Identifiers: Orphanet 90635, MedGen C1833021, MONDO:0010963, OMIM 600965.
Type 2 diabetes mellitus. Also called: Type II diabetes mellitus. Identifiers: MedGen C0011860, MeSH D003924, MONDO:0005148, OMIM 125853, HP:0005978.
Wolfram syndrome 1 (WFS1). Identifiers: Orphanet 3463, MedGen C4551693, MONDO:0009101, OMIM 222300.
Wolfram-like syndrome. Also called: HEARING LOSS, PROGRESSIVE, WITH OPTIC ATROPHY AND/OR IMPAIRED GLUCOSE REGULATION. Identifiers: Orphanet 411590, MedGen C3280358, MONDO:0013673, OMIM 614296.
Cataract 41 (CTRCT41). Also called: CATARACT 41, CONGENITAL NUCLEAR TYPE. Identifiers: Orphanet 91492, Orphanet 98991, Orphanet 98992, Orphanet 98995, MedGen C3805412, MONDO:0007287, OMIM 116400.

Allele frequency attached by ClinVar (database versions not stated): ExAC 0.00005; TOPMed 0.00005; ESP Exome Variant Server 0.00008.
gnomAD v4.1: 26 of 1,613,940 alleles (0.0016%); highest among the groups gnomAD compares: Middle Eastern, 0.033%; no homozygotes.

Submissions (6):

PreventionGenetics, part of Exact Sciences
Classification: Uncertain significance for WFS1-related condition. Last evaluated: 2023-04-26. Review status: criteria provided, single submitter. Criteria: ACMG Guidelines, 2015. Collection method: clinical testing. Allele origin: germline.
Comment: The WFS1 c.1922C>T variant is predicted to result in the amino acid substitution p.Thr641Met. To our knowledge, this variant has not been reported in the literature. This variant is reported in 0.037% of alleles in individuals of African descent in gnomAD. At this time, the clinical significance of this variant is uncertain due to the absence of conclusive functional and genetic evidence.

Blueprint Genetics
Classification: Uncertain significance. Last evaluated: 2022-12-22. Review status: criteria provided, single submitter. Criteria: ACMG Guidelines, 2015. Collection method: clinical testing. Allele origin: germline.

Labcorp Genetics (formerly Invitae), Labcorp
Classification: Uncertain significance. Last evaluated: 2022-09-09. Review status: criteria provided, single submitter. Criteria: Invitae Variant Classification Sherloc (09022015). Collection method: clinical testing. Allele origin: germline.
Comment: In summary, the available evidence is currently insufficient to determine the role of this variant in disease. Therefore, it has been classified as a Variant of Uncertain Significance. This variant disrupts the p.Thr641 amino acid residue in WFS1. Other variant(s) that disrupt this residue have been determined to be pathogenic (Invitae). This suggests that this residue is clinically significant, and that variants that disrupt this residue are likely to be disease-causing. Advanced modeling of protein sequence and biophysical properties (such as structural, functional, and spatial information, amino acid conservation, physicochemical variation, residue mobility, and thermodynamic stability) has been performed at Invitae for this missense variant, however the output from this modeling did not meet the statistical confidence thresholds required to predict the impact of this variant on WFS1 protein function. ClinVar contains an entry for this variant (Variation ID: 596878). This missense change has been observed in individual(s) with autosomal dominant nonsyndromic deafness (Invitae). It has also been observed to segregate with disease in related individuals. This sequence change replaces threonine, which is neutral and polar, with methionine, which is neutral and non-polar, at codon 641 of the WFS1 protein (p.Thr641Met). This variant is present in population databases (rs376626985, gnomAD 0.04%).

Fulgent Genetics
Classification: Uncertain significance for Cataract 41; Type 2 diabetes mellitus; Wolfram syndrome 1; Autosomal dominant nonsyndromic hearing loss 6; Wolfram-like syndrome. Last evaluated: 2022-05-25. Review status: criteria provided, single submitter. Criteria: ACMG Guidelines, 2015. Collection method: clinical testing. Allele origin: unknown.

GeneDx
Classification: Uncertain significance. Last evaluated: 2020-11-20. Review status: criteria provided, single submitter. Criteria: GeneDx Variant Classification Process June 2021. Collection method: clinical testing. Allele origin: germline. Affected: yes.
Comment: In silico analysis supports that this missense variant has a deleterious effect on protein structure/function; Has not been previously published as pathogenic or benign to our knowledge

Eurofins Ntd Llc (ga)
Classification: Uncertain significance. Last evaluated: 2018-04-30. Review status: criteria provided, single submitter. Criteria: EGL ClinVar v180209 classification definitions. Collection method: clinical testing. Allele origin: germline. Observed: 1 variant allele, 1 heterozygote.

NM_006005.3(WFS1):c.1922C>T (p.Thr641Met)

Gene: WFS1 (wolframin ER transmembrane glycoprotein; plus strand). Cytogenetic location: 4p16.1.
Variant type: single nucleotide variant.
Coding change: c.1922C>T on transcript NM_006005.3 (MANE Select); coding-DNA position 1922, C replaced by T.
Protein change: p.Thr641Met; replaces threonine 641 with methionine.
Molecular consequence: missense variant.
Genome position (GRCh38, 1-based): chr4:6,301,717, C>T. VCF-style: chr4-6301717-C-T. GRCh37 (hg19) VCF-style: chr4-6303444-C-T.
Other names: c.1922C>T, p.Thr641Met (NM_001145853.1); short protein forms T641M.
Identifiers: ClinVar variation 596878 (VCV000596878.15), dbSNP rs376626985, ClinGen allele CA2839546.